The following is an entry in ClinVar:

ClinVar aggregate classification (germline): Uncertain significance. Review status: criteria provided, multiple submitters, no conflicts (2 of 4 stars). 2 submissions from 2 submitters: Uncertain significance (2). Last evaluated 2026-06-01.

Conditions:
Ullrich congenital muscular dystrophy 2 (UCMD2). Identifiers: Orphanet 75840, MedGen C4225314, MONDO:0014654, OMIM 616470.
Bethlem myopathy 2 (BTHLM2). Identifiers: Orphanet 536516, Orphanet 610, MedGen C4225313, MONDO:0034022, OMIM 616471.

Allele frequency attached by ClinVar (database versions not stated): gnomAD exomes 0.00001; TOPMed 0.00001.
gnomAD v4.1: 3 of 1,614,236 alleles (0.00019%); highest among the groups gnomAD compares: Middle Eastern, 0.016%; no homozygotes.

Submissions (2):

CeGaT Center for Human Genetics Tuebingen
Classification: Uncertain significance. Last evaluated: 2026-06-01. Review status: criteria provided, single submitter. Criteria: CeGaT Center For Human Genetics Tuebingen Variant Classification Criteria Version 2. Collection method: clinical testing. Allele origin: germline. Affected: yes. Observed: 1 variant allele.
Comment: COL12A1: PM2

Labcorp Genetics (formerly Invitae), Labcorp
Classification: Uncertain significance for Bethlem myopathy 2; Ullrich congenital muscular dystrophy 2. Last evaluated: 2023-11-19. Review status: criteria provided, single submitter. Criteria: Invitae Variant Classification Sherloc (09022015). Collection method: clinical testing. Allele origin: germline.
Comment: This sequence change replaces threonine, which is neutral and polar, with alanine, which is neutral and non-polar, at codon 519 of the COL12A1 protein (p.Thr519Ala). This variant is not present in population databases (gnomAD no frequency). This variant has not been reported in the literature in individuals affected with COL12A1-related conditions. Advanced modeling of protein sequence and biophysical properties (such as structural, functional, and spatial information, amino acid conservation, physicochemical variation, residue mobility, and thermodynamic stability) has been performed at Invitae for this missense variant, however the output from this modeling did not meet the statistical confidence thresholds required to predict the impact of this variant on COL12A1 protein function. In summary, the available evidence is currently insufficient to determine the role of this variant in disease. Therefore, it has been classified as a Variant of Uncertain Significance.

NM_004370.6(COL12A1):c.1555A>G (p.Thr519Ala)

Gene: COL12A1 (collagen type XII alpha 1 chain; minus strand). Cytogenetic location: 6q13.
Variant type: single nucleotide variant.
Coding change: c.1555A>G on transcript NM_004370.6 (MANE Select); coding-DNA position 1555, A replaced by G.
Protein change: p.Thr519Ala; replaces threonine 519 with alanine.
Molecular consequence: missense variant. On other transcripts: intron variant (2).
Genome position (GRCh38, 1-based): chr6:75,183,386, T>C on the plus strand (A>G on the coding strand, the complement: COL12A1 is on the minus strand). VCF-style: chr6-75183386-T-C. GRCh37 (hg19) VCF-style: chr6-75893102-T-C.
Other names: c.1555A>G, p.Thr519Ala (NM_001424113.1, NM_001424114.1, NM_001424115.1); c.73+19334A>G (NM_001424116.1, NM_080645.3); short protein forms T519A.
Identifiers: ClinVar variation 2930139 (VCV002930139.4), dbSNP rs1769428328, ClinGen allele CA364769676.